The following is an entry in ClinVar:

ClinVar aggregate classification (germline): Pathogenic/Likely pathogenic. Review status: criteria provided, multiple submitters, no conflicts (2 of 4 stars). 2 submissions from 2 submitters: Pathogenic (1); Likely pathogenic (1). Last evaluated 2025-05-07.

Conditions:
MYO5B-related disorder. Also called: MYO5B-related condition.

gnomAD v4.1: 20 of 1,614,154 alleles (0.0012%); highest among the groups gnomAD compares: Non-Finnish European, 0.0017%; no homozygotes.

Submissions (2):

Labcorp Genetics (formerly Invitae), Labcorp
Classification: Pathogenic. Last evaluated: 2025-05-07. Review status: criteria provided, single submitter. Criteria: Invitae Variant Classification Sherloc (09022015). Collection method: clinical testing. Allele origin: germline.
Comment: This sequence change creates a premature translational stop signal (p.Ser186*) in the MYO5B gene. It is expected to result in an absent or disrupted protein product. Loss-of-function variants in MYO5B are known to be pathogenic (PMID: 18724368, 20186687). This variant is not present in population databases (gnomAD no frequency). This premature translational stop signal has been observed in individual(s) with microvillus inclusion disease (PMID: 20186687, 33567694). ClinVar contains an entry for this variant (Variation ID: 2736726). For these reasons, this variant has been classified as Pathogenic.

Blueprint Genetics
Classification: Likely pathogenic for MYO5B-related disorders. Last evaluated: 2019-11-28. Review status: criteria provided, single submitter. Criteria: ACMG Guidelines, 2015. Collection method: clinical testing. Allele origin: germline. Affected: yes. Observed: 1 variant allele.

Literature cited by the submitters: PubMed 18724368 (cited by Labcorp Genetics (formerly Invitae), Labcorp); PubMed 20186687 (cited by Labcorp Genetics (formerly Invitae), Labcorp); PubMed 33567694 (cited by Labcorp Genetics (formerly Invitae), Labcorp).

NM_001080467.3(MYO5B):c.557C>A (p.Ser186Ter)

Gene: MYO5B (myosin VB; minus strand). Cytogenetic location: 18q21.1.
Variant type: single nucleotide variant.
Coding change: c.557C>A on transcript NM_001080467.3 (MANE Select); coding-DNA position 557, C replaced by A.
Protein change: p.Ser186Ter; replaces serine 186 with a stop codon.
Molecular consequence: nonsense.
Genome position (GRCh38, 1-based): chr18:50,001,310, G>T on the plus strand (C>A on the coding strand, the complement: MYO5B is on the minus strand). VCF-style: chr18-50001310-G-T. GRCh37 (hg19) VCF-style: chr18-47527680-G-T.
Other names: short protein forms S186*.
Identifiers: ClinVar variation 2736726 (VCV002736726.4), dbSNP rs753977426, ClinGen allele CA402439869.